The following is an entry in ClinVar:

ClinVar aggregate classification (germline): Conflicting classifications of pathogenicity. Review status: criteria provided, conflicting classifications (1 of 4 stars). 2 submissions from 2 submitters: Uncertain significance (1); Likely benign (1). Last evaluated 2026-01-05.

Conditions:
Familial temporal lobe epilepsy 7. Identifiers: Orphanet 101046, MedGen C4225327, MONDO:0014639, OMIM 616436.
Norman-Roberts syndrome (LIS2). Also called: Lissencephaly 2 (Norman-Roberts type). Identifiers: Orphanet 89844, MedGen C0796089, MONDO:0009760, OMIM 257320.

Allele frequency attached by ClinVar (database versions not stated): gnomAD 0.00001 and 0.00002; TOPMed 0.00002.
gnomAD v4.1: 3 of 1,613,484 alleles (0.00019%); highest among the groups gnomAD compares: African/African-American, 0.004%; no homozygotes.

Submissions (2):

Dasa
Classification: Uncertain significance. Last evaluated: 2026-01-05. Review status: criteria provided, single submitter. Criteria: DASA Assertion Criteria. Collection method: clinical testing. Allele origin: germline.
Comment: NM_005045.4(RELN):c.2876C>T (p.Thr959Ile) is a missense variant that results in the substitution of threonine with isoleucine. This variant is rare in population databases. The currently available literature and clinical evidence are not sufficient to establish a definitive association between this variant and the reported condition. Therefore, this variant is classified as a variant of uncertain significance.

Labcorp Genetics (formerly Invitae), Labcorp
Classification: Likely benign for Familial temporal lobe epilepsy 7; Norman-Roberts syndrome. Last evaluated: 2022-08-16. Review status: criteria provided, single submitter. Criteria: Invitae Variant Classification Sherloc (09022015). Collection method: clinical testing. Allele origin: germline.

NM_005045.4(RELN):c.2876C>T (p.Thr959Ile)

Gene: RELN (reelin; minus strand). Cytogenetic location: 7q22.1.
Variant type: single nucleotide variant.
Coding change: c.2876C>T on transcript NM_005045.4 (MANE Select); coding-DNA position 2876, C replaced by T.
Protein change: p.Thr959Ile; replaces threonine 959 with isoleucine.
Molecular consequence: missense variant.
Genome position (GRCh38, 1-based): chr7:103,611,630, G>A on the plus strand (C>T on the coding strand, the complement: RELN is on the minus strand). VCF-style: chr7-103611630-G-A. GRCh37 (hg19) VCF-style: chr7-103252077-G-A.
Other names: c.2876C>T, p.Thr959Ile (NM_173054.3); short protein forms T959I.
Identifiers: ClinVar variation 1496233 (VCV001496233.10), dbSNP rs1003803083, ClinGen allele CA163909502.